The following is an entry in ClinVar:

NC_000017.10:g.(?_40489433)_(40489895_?)del

Gene: STAT3 (signal transducer and activator of transcription 3; minus strand). Cytogenetic location: 17q21.2.
Variant type: Deletion.
Identifiers: ClinVar variation 3243107 (VCV003243107.1).

ClinVar aggregate classification (germline): Uncertain significance (1 of 4 stars; one submission).

Conditions:
Hyper-IgE recurrent infection syndrome 1, autosomal dominant. Also called: HYPER-IgE SYNDROME 1, AUTOSOMAL DOMINANT, WITH RECURRENT INFECTIONS; JOB SYNDROME; Job's Syndrome; STAT3 Hyper IgE Syndrome; Hyper-IgE recurrent infection syndrome 1. Identifiers: Orphanet 2314, MedGen C2936739, MONDO:0007818, OMIM 147060.
STAT3 gain of function. Identifiers: MedGen C4288261.

Submission:

Labcorp Genetics (formerly Invitae), Labcorp
Classification: Uncertain significance for STAT3 gain of function; Hyper-IgE recurrent infection syndrome 1, autosomal dominant. Last evaluated: 2023-02-24. Review status: criteria provided, single submitter. Criteria: Invitae Variant Classification Sherloc (09022015). Collection method: clinical testing. Allele origin: unknown.
Comment: In summary, the available evidence is currently insufficient to determine the role of this variant in disease. Therefore, it has been classified as a Variant of Uncertain Significance. This variant is a gross deletion of the genomic region encompassing exon(s) 7-8 of the STAT3 gene. This deletion is out-of-frame, and is expected to create a premature translational stop signal and result in an absent or disrupted protein product. However, the current clinical and genetic evidence is not sufficient to establish whether loss-of-function variants in STAT3 cause disease. This variant has not been reported in the literature in individuals affected with STAT3-related conditions. Experimental studies and prediction algorithms are not available or were not evaluated, and the functional significance of this variant is currently unknown.